The following is an entry in ClinVar:

NM_003482.4(KMT2D):c.15635C>T (p.Ala5212Val)

Gene: KMT2D (lysine methyltransferase 2D; minus strand). Cytogenetic location: 12q13.12.
Variant type: single nucleotide variant.
Coding change: c.15635C>T on transcript NM_003482.4 (MANE Select); coding-DNA position 15635, C replaced by T.
Protein change: p.Ala5212Val; replaces alanine 5212 with valine.
Molecular consequence: missense variant.
Genome position (GRCh38, 1-based): chr12:49,026,331, G>A on the plus strand (C>T on the coding strand, the complement: KMT2D is on the minus strand). VCF-style: chr12-49026331-G-A. GRCh37 (hg19) VCF-style: chr12-49420114-G-A.
Other names: short protein forms A5212V.
Identifiers: ClinVar variation 2856537 (VCV002856537.3), dbSNP rs2137715421, ClinGen allele CA384686199.
Genomic context (GRCh38, chr12:49,026,331, plus strand): 5'-ATAGAACAGCGATAGCAGCAGCGACGATTGTTGGTGCGGAGGCTCCAATAGATGCGCGTG[G>A]CCTCGTAGCCCACGGGATAGAGGGCAGTGGCACTATGAAAGTCAGCCATCTGGTGAGGCA-3'
Protein context (NP_003473.3, residues 5202-5222): ATALYPVGYE[Ala5212Val]TRIYWSLRTN

ClinVar aggregate classification (germline): Uncertain significance (1 of 4 stars; one submission).

Conditions:
Kabuki syndrome. Also called: Kabuki make-up syndrome; NIIKAWA-KUROKI SYNDROME. Identifiers: Orphanet 2322, MedGen C0796004, MONDO:0016512.

Submission:

Labcorp Genetics (formerly Invitae), Labcorp
Classification: Uncertain significance for Kabuki syndrome. Last evaluated: 2023-04-15. Review status: criteria provided, single submitter. Criteria: Invitae Variant Classification Sherloc (09022015). Collection method: clinical testing. Allele origin: germline.
Comment: This sequence change replaces alanine, which is neutral and non-polar, with valine, which is neutral and non-polar, at codon 5212 of the KMT2D protein (p.Ala5212Val). This variant is not present in population databases (gnomAD no frequency). This variant has not been reported in the literature in individuals affected with KMT2D-related conditions. Advanced modeling of protein sequence and biophysical properties (such as structural, functional, and spatial information, amino acid conservation, physicochemical variation, residue mobility, and thermodynamic stability) has been performed at Invitae for this missense variant, however the output from this modeling did not meet the statistical confidence thresholds required to predict the impact of this variant on KMT2D protein function. In summary, the available evidence is currently insufficient to determine the role of this variant in disease. Therefore, it has been classified as a Variant of Uncertain Significance.